The following is an entry in ClinVar:

ClinVar aggregate classification (germline): Uncertain significance. Review status: criteria provided, multiple submitters, no conflicts (2 of 4 stars). 2 submissions from 2 submitters: Uncertain significance (2). Last evaluated 2026-08-04.

Conditions:
TRPM1-related disorder. Also called: TRPM1-related condition.

gnomAD v4.1: 329 of 1,586,388 alleles (0.021%); highest among the groups gnomAD compares: Non-Finnish European, 0.027%; no homozygotes.

Submissions (2):

PreventionGenetics, part of Exact Sciences
Classification: Uncertain significance for TRPM1-related condition. Last evaluated: 2026-08-04. Review status: criteria provided, single submitter. Criteria: ACMG Guidelines, 2015. Collection method: clinical testing. Allele origin: germline.
Comment: The TRPM1 c.373C>T variant is predicted to result in the amino acid substitution p.Leu125Phe. To our knowledge, this variant has not been reported in the literature. This variant is reported in 0.016% of alleles in individuals of European (Non-Finnish) descent in gnomAD. At this time, the clinical significance of this variant is uncertain due to the absence of conclusive functional and genetic evidence.

Blueprint Genetics
Classification: Uncertain significance. Last evaluated: 2024-08-01. Review status: criteria provided, single submitter. Criteria: ACMG Guidelines, 2015. Collection method: clinical testing. Allele origin: germline.

NM_001252024.2(TRPM1):c.279+160C>T

Gene: TRPM1 (transient receptor potential cation channel subfamily M member 1; minus strand). Cytogenetic location: 15q13.3.
Variant type: single nucleotide variant.
Coding change: c.279+160C>T on transcript NM_001252024.2 (MANE Select); 160 bases into the intron after coding-DNA position 279, C replaced by T.
Molecular consequence: intron variant. On other transcripts: missense variant (1).
Genome position (GRCh38, 1-based): chr15:31,069,871, G>A on the plus strand (C>T on the coding strand, the complement: TRPM1 is on the minus strand). VCF-style: chr15-31069871-G-A. GRCh37 (hg19) VCF-style: chr15-31362074-G-A.
Other names: c.373C>T (NM_001252030.1); c.373C>T, p.Leu125Phe (NM_001252030.2); c.330+160C>T (NM_001252020.2); c.213+160C>T (NM_002420.6); short protein forms L125F.
Identifiers: ClinVar variation 4923922 (VCV004923922.2).
Genomic context (GRCh38, chr15:31,069,871, plus strand): 5'-TTTACGGGACACTAGATGTTCTTTACAGTGGTGTCCAGTTTCCAAGCCTCATGGCTAAAA[G>A]CCATGTGCACAGATATATCTCTTGGTTTTTCAATGAAATATCTAGGAAGATTGAGCCACA-3'